The following is an entry in ClinVar:

ClinVar aggregate classification (germline): Uncertain significance. Review status: criteria provided, multiple submitters, no conflicts (2 of 4 stars). 2 submissions from 2 submitters: Uncertain significance (2). Last evaluated 2025-02-12.

Conditions:
Hereditary cancer-predisposing syndrome. Also called: Hereditary Cancer Syndrome; Hereditary neoplastic syndrome; Tumor predisposition; Neoplastic Syndromes, Hereditary. Identifiers: Orphanet 140162, MedGen C0027672, MeSH D009386, MONDO:0015356.
Hereditary diffuse gastric adenocarcinoma (HDGC). Also called: DIFFUSE GASTRIC AND LOBULAR BREAST CANCER SYNDROME. Identifiers: Orphanet 26106, MedGen C1708349, MONDO:0007648, OMIM 137215.

Submissions (2):

Ambry Genetics
Classification: Uncertain significance for Hereditary cancer-predisposing syndrome. Last evaluated: 2025-02-12. Review status: criteria provided, single submitter. Criteria: Ambry Variant Classification Scheme 2023. Collection method: clinical testing. Allele origin: germline.
Comment: The p.L343M variant (also known as c.1027C>A), located in coding exon 8 of the CDH1 gene, results from a C to A substitution at nucleotide position 1027. The leucine at codon 343 is replaced by methionine, an amino acid with highly similar properties. This amino acid position is conserved. In addition, the in silico prediction for this alteration is inconclusive. Based on the available evidence, the clinical significance of this variant remains unclear.

Labcorp Genetics (formerly Invitae), Labcorp
Classification: Uncertain significance for Hereditary diffuse gastric adenocarcinoma. Last evaluated: 2020-12-11. Review status: criteria provided, single submitter. Criteria: Invitae Variant Classification Sherloc (09022015). Collection method: clinical testing. Allele origin: germline.
Comment: In summary, the available evidence is currently insufficient to determine the role of this variant in disease. Therefore, it has been classified as a Variant of Uncertain Significance. Algorithms developed to predict the effect of missense changes on protein structure and function are either unavailable or do not agree on the potential impact of this missense change (SIFT: "Deleterious"; PolyPhen-2: "Probably Damaging"; Align-GVGD: "Class C0"). This variant has not been reported in the literature in individuals with CDH1-related conditions. This variant is not present in population databases (ExAC no frequency). This sequence change replaces leucine with methionine at codon 343 of the CDH1 protein (p.Leu343Met). The leucine residue is highly conserved and there is a small physicochemical difference between leucine and methionine.

NM_004360.5(CDH1):c.1027C>A (p.Leu343Met)

Gene: CDH1 (cadherin 1; plus strand). Cytogenetic location: 16q22.1.
Variant type: single nucleotide variant.
Coding change: c.1027C>A on transcript NM_004360.5 (MANE Select); coding-DNA position 1027, C replaced by A.
Protein change: p.Leu343Met; replaces leucine 343 with methionine.
Molecular consequence: missense variant. On other transcripts: 5 prime UTR variant (2).
Genome position (GRCh38, 1-based): chr16:68,812,153, C>A. VCF-style: chr16-68812153-C-A. GRCh37 (hg19) VCF-style: chr16-68846056-C-A.
Other names: c.1027C>A, p.Leu343Met (NM_001317184.2); c.-589C>A (NM_001317185.2); c.-793C>A (NM_001317186.2); c.1027C>A (NM_004360.3); short protein forms L343M.
Identifiers: ClinVar variation 1355583 (VCV001355583.9), dbSNP rs1555515720, ClinGen allele CA396459951.
Genomic context (GRCh38, chr16:68,812,153, plus strand): 5'-AGTGTTCCTGGTCCTGACTTGGTTGTGTCGATCTCTCTGCAGAGTTTCCCTACGTATACC[C>A]TGGTGGTTCAAGCTGCTGACCTTCAAGGTGAGGGGTTAAGCACAACAGCAACAGCTGTGA-3'
Protein context (NP_004351.1, residues 333-353): LDRESFPTYT[Leu343Met]VVQAADLQGE